The following is an entry in ClinVar:

NM_002334.4(LRP4):c.3267C>A (p.Asp1089Glu)

Gene: LRP4 (LDL receptor related protein 4; minus strand). Cytogenetic location: 11p11.2.
Variant type: single nucleotide variant.
Coding change: c.3267C>A on transcript NM_002334.4 (MANE Select); coding-DNA position 3267, C replaced by A.
Protein change: p.Asp1089Glu; replaces aspartic acid 1089 with glutamic acid.
Molecular consequence: missense variant.
Genome position (GRCh38, 1-based): chr11:46,877,209, G>T on the plus strand (C>A on the coding strand, the complement: LRP4 is on the minus strand). VCF-style: chr11-46877209-G-T. GRCh37 (hg19) VCF-style: chr11-46898760-G-T.
Other names: short protein forms D1089E.
Identifiers: ClinVar variation 2186064 (VCV002186064.4), dbSNP rs150616375, ClinGen allele CA380275237.

ClinVar aggregate classification (germline): Uncertain significance (1 of 4 stars; one submission).

Conditions:
Congenital myasthenic syndrome 17. Identifiers: Orphanet 590, MedGen C4225377, MONDO:0014578, OMIM 616304.
Sclerosteosis 2 (SOST2). Identifiers: Orphanet 3152, MedGen C3280402, MONDO:0013679, OMIM 614305.
Cenani-Lenz syndactyly syndrome. Also called: CENANI SYNDACTYLISM; SYNDACTYLY, TYPE VII. Identifiers: Orphanet 3258, MedGen C1859309, MONDO:0008931, OMIM 212780.

Submission:

Labcorp Genetics (formerly Invitae), Labcorp
Classification: Uncertain significance for Cenani-Lenz syndactyly syndrome; Sclerosteosis 2; Congenital myasthenic syndrome 17. Last evaluated: 2022-09-07. Review status: criteria provided, single submitter. Criteria: Invitae Variant Classification Sherloc (09022015). Collection method: clinical testing. Allele origin: germline.
Comment: This sequence change replaces aspartic acid, which is acidic and polar, with glutamic acid, which is acidic and polar, at codon 1089 of the LRP4 protein (p.Asp1089Glu). This variant is not present in population databases (gnomAD no frequency). This variant has not been reported in the literature in individuals affected with LRP4-related conditions. Algorithms developed to predict the effect of missense changes on protein structure and function are either unavailable or do not agree on the potential impact of this missense change (SIFT: "Deleterious"; PolyPhen-2: "Benign"; Align-GVGD: "Class C35"). In summary, the available evidence is currently insufficient to determine the role of this variant in disease. Therefore, it has been classified as a Variant of Uncertain Significance.